The following is an entry in ClinVar:

NM_032119.4(ADGRV1):c.14675C>A (p.Ser4892Tyr)

Gene: ADGRV1 (adhesion G protein-coupled receptor V1; plus strand). Cytogenetic location: 5q14.3.
Variant type: single nucleotide variant.
Coding change: c.14675C>A on transcript NM_032119.4 (MANE Select); coding-DNA position 14675, C replaced by A.
Protein change: p.Ser4892Tyr; replaces serine 4892 with tyrosine.
Molecular consequence: missense variant. On other transcripts: non-coding transcript variant (1).
Genome position (GRCh38, 1-based): chr5:90,805,297, C>A. VCF-style: chr5-90805297-C-A. GRCh37 (hg19) VCF-style: chr5-90101114-C-A.
Other names: short protein forms S4892Y.
Identifiers: ClinVar variation 1445710 (VCV001445710.6), dbSNP rs2150200608, ClinGen allele CA360406095.

ClinVar aggregate classification (germline): Uncertain significance (1 of 4 stars; one submission).

Submission:

Labcorp Genetics (formerly Invitae), Labcorp
Classification: Uncertain significance. Last evaluated: 2021-11-28. Review status: criteria provided, single submitter. Criteria: Invitae Variant Classification Sherloc (09022015). Collection method: clinical testing. Allele origin: germline.
Comment: This sequence change replaces serine, which is neutral and polar, with tyrosine, which is neutral and polar, at codon 4892 of the ADGRV1 protein (p.Ser4892Tyr). In summary, the available evidence is currently insufficient to determine the role of this variant in disease. Therefore, it has been classified as a Variant of Uncertain Significance. Algorithms developed to predict the effect of missense changes on protein structure and function are either unavailable or do not agree on the potential impact of this missense change (SIFT: "Deleterious"; PolyPhen-2: "Possibly Damaging"; Align-GVGD: "Class C0"). This variant has not been reported in the literature in individuals affected with ADGRV1-related conditions. This variant is not present in population databases (gnomAD no frequency).